The following is an entry in ClinVar:

ClinVar aggregate classification (germline): Uncertain significance. Review status: criteria provided, multiple submitters, no conflicts (2 of 4 stars). 5 submissions from 5 submitters: Uncertain significance (5). Last evaluated 2026-01-22.

Conditions:
Hereditary diffuse gastric adenocarcinoma (HDGC). Also called: DIFFUSE GASTRIC AND LOBULAR BREAST CANCER SYNDROME. Identifiers: Orphanet 26106, MedGen C1708349, MONDO:0007648, OMIM 137215.
Hereditary cancer-predisposing syndrome. Also called: Hereditary Cancer Syndrome; Neoplastic Syndromes, Hereditary; Hereditary neoplastic syndrome; Tumor predisposition. Identifiers: Orphanet 140162, MedGen C0027672, MeSH D009386, MONDO:0015356.
Familial cancer of breast. Also called: Hereditary breast cancer; hereditary breast carcinoma; BREAST CANCER, FAMILIAL. Identifiers: Orphanet 227535, MedGen C0346153, MONDO:0016419, OMIM 114480. Disease mechanism: loss of function.

Allele frequency attached by ClinVar (database versions not stated): gnomAD exomes below 0.00001; gnomAD 0.00001.
gnomAD v4.1: 1 of 1,614,078 alleles (0.000062%); highest among the groups gnomAD compares: Non-Finnish European, 0.000085%; no homozygotes.

Submissions (5):

Labcorp Genetics (formerly Invitae), Labcorp
Classification: Uncertain significance for Hereditary diffuse gastric adenocarcinoma. Last evaluated: 2026-01-22. Review status: criteria provided, single submitter. Criteria: Invitae Variant Classification Sherloc (09022015). Collection method: clinical testing. Allele origin: germline.
Comment: This sequence change replaces tyrosine, which is neutral and polar, with cysteine, which is neutral and slightly polar, at codon 68 of the CDH1 protein (p.Tyr68Cys). This variant is present in population databases (no rsID available, gnomAD 0.006%). This missense change has been observed in individual(s) with breast cancer (PMID: 32318955). ClinVar contains an entry for this variant (Variation ID: 820574). An algorithm developed to predict the effect of missense changes on protein structure and function (PolyPhen-2) suggests that this variant is likely to be disruptive. In summary, the available evidence is currently insufficient to determine the role of this variant in disease. Therefore, it has been classified as a Variant of Uncertain Significance.

Ambry Genetics
Classification: Uncertain significance for Hereditary cancer-predisposing syndrome. Last evaluated: 2025-07-25. Review status: criteria provided, single submitter. Criteria: Ambry Variant Classification Scheme 2023. Collection method: clinical testing. Allele origin: germline.
Comment: The p.Y68C variant (also known as c.203A>G), located in coding exon 3 of the CDH1 gene, results from an A to G substitution at nucleotide position 203. The tyrosine at codon 68 is replaced by cysteine, an amino acid with highly dissimilar properties. This alteration was identified in 1 of 831 breast cancer cases and 0 of 839 controls within a Chinese cohort (Zeng C et al. Breast Cancer Res Treat, 2020 Jun;181:465-473). This amino acid position is not well conserved in available vertebrate species. In addition, this alteration is predicted to be tolerated by in silico analysis. Since supporting evidence is limited at this time, the clinical significance of this alteration remains unclear.

Baylor Genetics
Classification: Uncertain significance for Familial cancer of breast. Last evaluated: 2023-08-28. Review status: criteria provided, single submitter. Criteria: ACMG Guidelines, 2015. Collection method: clinical testing. Allele origin: unknown.

Women's Health and Genetics/Laboratory Corporation of America, LabCorp
Classification: Uncertain significance. Last evaluated: 2021-09-27. Review status: criteria provided, single submitter. Criteria: LabCorp Variant Classification Summary - May 2015. Collection method: clinical testing. Allele origin: germline.
Comment: Variant summary: CDH1 c.203A>G (p.Tyr68Cys) results in a non-conservative amino acid change located in the Cadherin prodomain (IPR014868) of the encoded protein sequence. Three of five in-silico tools predict a damaging effect of the variant on protein function. The variant allele was found at a frequency of 4e-06 in 251446 control chromosomes. The available data on variant occurrences in the general population are insufficient to allow any conclusion about variant significance. c.203A>G has been reported in the literature in settings of multigene panel testing in at-least one individual affected with invasive Breast Cancer (example, Zeng_2020). These report(s) do not provide unequivocal conclusions about association of the variant with Lobular Breast or Hereditary Diffuse Gastric Cancer. To our knowledge, no experimental evidence demonstrating an impact on protein function has been reported. Two clinical diagnostic laboratories have submitted clinical-significance assessments for this variant to ClinVar after 2014 without evidence for independent evaluation. All laboratories classified the variant as uncertain significance. Based on the evidence outlined above, the variant was classified as uncertain significance.

GeneDx
Classification: Uncertain significance. Last evaluated: 2021-04-09. Review status: criteria provided, single submitter. Criteria: GeneDx Variant Classification Process June 2021. Collection method: clinical testing. Allele origin: germline. Affected: yes.
Comment: Not observed at a significant frequency in large population cohorts (Lek 2016); In silico analysis supports that this missense variant has a deleterious effect on protein structure/function; Observed in individuals with a personal or family history including breast cancer (Zeng 2020); This variant is associated with the following publications: (PMID: 32318955)

Literature cited by the submitters: PubMed 32318955 (cited by 3 submitters).

NM_004360.5(CDH1):c.203A>G (p.Tyr68Cys)

Gene: CDH1 (cadherin 1; plus strand). Cytogenetic location: 16q22.1.
Variant type: single nucleotide variant.
Coding change: c.203A>G on transcript NM_004360.5 (MANE Select); coding-DNA position 203, A replaced by G.
Protein change: p.Tyr68Cys; replaces tyrosine 68 with cysteine.
Molecular consequence: missense variant. On other transcripts: 5 prime UTR variant (2).
Genome position (GRCh38, 1-based): chr16:68,801,709, A>G. VCF-style: chr16-68801709-A-G. GRCh37 (hg19) VCF-style: chr16-68835612-A-G.
Other names: c.203A>G, p.Tyr68Cys (NM_001317184.2); c.-1413A>G (NM_001317185.2); c.-1617A>G (NM_001317186.2); short protein forms Y68C.
Identifiers: ClinVar variation 820574 (VCV000820574.16), dbSNP rs1284989530, ClinGen allele CA396457153.
Genomic context (GRCh38, chr16:68,801,709, plus strand): 5'-TCTGTGATTTCTGCCCTGCAGTGAATTTTGAAGATTGCACCGGTCGACAAAGGACAGCCT[A>G]TTTTTCCCTCGACACCCGATTCAAAGTGGGCACAGATGGTGTGATTACAGTCAAAAGGCC-3'
Protein context (NP_004351.1, residues 58-78): EDCTGRQRTA[Tyr68Cys]FSLDTRFKVG